The following is an entry in ClinVar:

NM_004863.4(SPTLC2):c.1288G>C (p.Asp430His)

Gene: SPTLC2 (serine palmitoyltransferase long chain base subunit 2; minus strand). Cytogenetic location: 14q24.3.
Variant type: single nucleotide variant.
Coding change: c.1288G>C on transcript NM_004863.4 (MANE Select); coding-DNA position 1288, G replaced by C.
Protein change: p.Asp430His; replaces aspartic acid 430 with histidine.
Molecular consequence: missense variant.
Genome position (GRCh38, 1-based): chr14:77,552,111, C>G on the plus strand (G>C on the coding strand, the complement: SPTLC2 is on the minus strand). VCF-style: chr14-77552111-C-G. GRCh37 (hg19) VCF-style: chr14-78018454-C-G.
Other names: short protein forms D430H.
Identifiers: ClinVar variation 837894 (VCV000837894.11), dbSNP rs2079558586, ClinGen allele CA390706923.

ClinVar aggregate classification (germline): Uncertain significance. Review status: criteria provided, multiple submitters, no conflicts (2 of 4 stars). 2 submissions from 2 submitters: Uncertain significance (2). Last evaluated 2024-02-26.

Conditions:
Neuropathy, hereditary sensory and autonomic, type 1C. Also called: HSAN IC; HSN IC. Identifiers: Orphanet 36386, MedGen C3150896, MONDO:0013337, OMIM 613640.

Submissions (2):

Labcorp Genetics (formerly Invitae), Labcorp
Classification: Uncertain significance for Neuropathy, hereditary sensory and autonomic, type 1C. Last evaluated: 2024-02-26. Review status: criteria provided, single submitter. Criteria: Invitae Variant Classification Sherloc (09022015). Collection method: clinical testing. Allele origin: germline.
Comment: This sequence change replaces aspartic acid, which is acidic and polar, with histidine, which is basic and polar, at codon 430 of the SPTLC2 protein (p.Asp430His). This variant is not present in population databases (gnomAD no frequency). This variant has not been reported in the literature in individuals affected with SPTLC2-related conditions. ClinVar contains an entry for this variant (Variation ID: 837894). An algorithm developed to predict the effect of missense changes on protein structure and function (PolyPhen-2) suggests that this variant is likely to be disruptive. In summary, the available evidence is currently insufficient to determine the role of this variant in disease. Therefore, it has been classified as a Variant of Uncertain Significance.

Breakthrough Genomics
Classification: Uncertain significance. Review status: criteria provided, single submitter. Criteria: ACMG Guidelines, 2015. Collection method: not provided. Allele origin: germline. Inheritance: Autosomal dominant inheritance. Affected: yes.